The following is an entry in ClinVar:

NM_000350.3(ABCA4):c.3743G>A (p.Arg1248Lys)

Genes: ABCA4 (ATP binding cassette subfamily A member 4; minus strand), LOC126805794 (BRD4-independent group 4 enhancer GRCh37_chr1:94502188-94503387; plus strand). Cytogenetic location: 1p22.1.
Variant type: single nucleotide variant.
Coding change: c.3743G>A on transcript NM_000350.3 (MANE Select); coding-DNA position 3743, G replaced by A.
Protein change: p.Arg1248Lys; replaces arginine 1248 with lysine.
Molecular consequence: missense variant.
Genome position (GRCh38, 1-based): chr1:94,037,215, C>T on the plus strand (G>A on the coding strand, the complement: ABCA4 is on the minus strand). VCF-style: chr1-94037215-C-T. GRCh37 (hg19) VCF-style: chr1-94502771-C-T.
Other names: c.3521G>A, p.Arg1174Lys (NM_001425324.1); short protein forms R1248K, R1174K.
Identifiers: ClinVar variation 1923011 (VCV001923011.2), dbSNP rs909796557, ClinGen allele CA26860166.

ClinVar aggregate classification (germline): Uncertain significance (1 of 4 stars; one submission).

Allele frequency attached by ClinVar (database versions not stated): gnomAD 0.00002; TOPMed 0.00002.
gnomAD v4.1: 3 of 1,614,104 alleles (0.00019%); highest among the groups gnomAD compares: African/African-American, 0.004%; no homozygotes.

Submission:

Labcorp Genetics (formerly Invitae), Labcorp
Classification: Uncertain significance. Last evaluated: 2022-07-06. Review status: criteria provided, single submitter. Criteria: Invitae Variant Classification Sherloc (09022015). Collection method: clinical testing. Allele origin: germline.
Comment: This sequence change replaces arginine, which is basic and polar, with lysine, which is basic and polar, at codon 1248 of the ABCA4 protein (p.Arg1248Lys). The frequency data for this variant in the population databases is considered unreliable, as metrics indicate poor data quality at this position in the gnomAD database. This variant has not been reported in the literature in individuals affected with ABCA4-related conditions. Advanced modeling of protein sequence and biophysical properties (such as structural, functional, and spatial information, amino acid conservation, physicochemical variation, residue mobility, and thermodynamic stability) performed at Invitae indicates that this missense variant is not expected to disrupt ABCA4 protein function. In summary, the available evidence is currently insufficient to determine the role of this variant in disease. Therefore, it has been classified as a Variant of Uncertain Significance.